The following is an entry in ClinVar:

ClinVar aggregate classification (germline): Uncertain significance. Review status: criteria provided, multiple submitters, no conflicts (2 of 4 stars). 2 submissions from 2 submitters: Uncertain significance (2). Last evaluated 2024-01-04.

Conditions:
TP63-Related Spectrum Disorders.
Inborn genetic diseases. Identifiers: MedGen C0950123, MeSH D030342.

Allele frequency attached by ClinVar (database versions not stated): ExAC 0.00002; gnomAD exomes 0.00002 and 0.00003; gnomAD 0.00003; TOPMed 0.00003; 1000 Genomes Project 0.00020; 1000 Genomes Project 30x 0.00031.
gnomAD v4.1: 43 of 1,614,046 alleles (0.0027%); highest among the groups gnomAD compares: African/African-American, 0.008%; no homozygotes.

Submissions (2):

Labcorp Genetics (formerly Invitae), Labcorp
Classification: Uncertain significance. Last evaluated: 2024-01-04. Review status: criteria provided, single submitter. Criteria: Invitae Variant Classification Sherloc (09022015). Collection method: clinical testing. Allele origin: germline.
Comment: This sequence change replaces glycine, which is neutral and non-polar, with serine, which is neutral and polar, at codon 371 of the TP63 protein (p.Gly371Ser). This variant is present in population databases (rs556383197, gnomAD 0.008%). This variant has not been reported in the literature in individuals affected with TP63-related conditions. ClinVar contains an entry for this variant (Variation ID: 1386982). Advanced modeling of protein sequence and biophysical properties (such as structural, functional, and spatial information, amino acid conservation, physicochemical variation, residue mobility, and thermodynamic stability) has been performed at Invitae for this missense variant, however the output from this modeling did not meet the statistical confidence thresholds required to predict the impact of this variant on TP63 protein function. In summary, the available evidence is currently insufficient to determine the role of this variant in disease. Therefore, it has been classified as a Variant of Uncertain Significance.

Ambry Genetics
Classification: Uncertain significance for Inborn genetic diseases. Last evaluated: 2023-11-22. Review status: criteria provided, single submitter. Criteria: Ambry Variant Classification Scheme 2023. Collection method: clinical testing. Allele origin: germline.

NM_003722.5(TP63):c.1111G>A (p.Gly371Ser)

Gene: TP63 (tumor protein p63; plus strand). Cytogenetic location: 3q28.
Variant type: single nucleotide variant.
Coding change: c.1111G>A on transcript NM_003722.5 (MANE Select); coding-DNA position 1111, G replaced by A.
Protein change: p.Gly371Ser; replaces glycine 371 with serine.
Molecular consequence: missense variant.
Genome position (GRCh38, 1-based): chr3:189,868,698, G>A. VCF-style: chr3-189868698-G-A. GRCh37 (hg19) VCF-style: chr3-189586487-G-A.
Other names: c.1111G>A (NM_003722.4); c.1111G>A, p.Gly371Ser (NM_001114978.2, NM_001114979.2, NM_001329144.2 and 1 more transcripts); c.829G>A, p.Gly277Ser (NM_001114980.2, NM_001114981.2, NM_001114982.2 and 2 more transcripts); c.574G>A, p.Gly192Ser (NM_001329146.2, NM_001329150.2); c.1105G>A, p.Gly369Ser (NM_001329964.2); short protein forms G192S, G369S, G277S, G371S.
Identifiers: ClinVar variation 1386982 (VCV001386982.8), dbSNP rs556383197, ClinGen allele CA2752343.